The following is an entry in ClinVar:

ClinVar aggregate classification (germline): Likely benign (1 of 4 stars; one submission).

Submission:

GeneDx
Classification: Likely benign. Last evaluated: 2017-07-10. Review status: criteria provided, single submitter. Criteria: GeneDx Variant Classification (06012015). Collection method: clinical testing. Allele origin: germline. Affected: yes.
Comment: This variant is considered likely benign or benign based on one or more of the following criteria: it is a conservative change, it occurs at a poorly conserved position in the protein, it is predicted to be benign by multiple in silico algorithms, and/or has population frequency not consistent with disease.

NM_000702.4(ATP1A2):c.-33C>A

Gene: ATP1A2 (ATPase Na+/K+ transporting subunit alpha 2; plus strand). Cytogenetic location: 1q23.2.
Variant type: single nucleotide variant.
Coding change: c.-33C>A on transcript NM_000702.4 (MANE Select); 33 bases upstream of the start codon, C replaced by A.
Molecular consequence: 5 prime UTR variant.
Genome position (GRCh38, 1-based): chr1:160,115,829, C>A. VCF-style: chr1-160115829-C-A. GRCh37 (hg19) VCF-style: chr1-160085619-C-A.
Identifiers: ClinVar variation 510638 (VCV000510638.1), dbSNP rs1323771499, ClinGen allele CA658795546.
Genomic context (GRCh38, chr1:160,115,829, plus strand): 5'-CAGGGTCTCCGACTGTCCCAGACGGGCTGGTGTGGGCTTGGGATCCTCCTGGTGACCTCT[C>A]CCGCTAAGGTCCCTCAGCCACTCTGCCCCAAGATGGGCCGTGGGGTGAGTATCCCTAAAG-3'